The following is an entry in ClinVar:

ClinVar aggregate classification (germline): Uncertain significance (1 of 4 stars; one submission).

Conditions:
Severe combined immunodeficiency due to DNA-PKcs deficiency. Also called: IMMUNODEFICIENCY 26 WITH NEUROLOGIC ABNORMALITIES; Immunodeficiency 26 with or without neurologic abnormalities. Identifiers: Orphanet 317425, MedGen C4014833, MONDO:0014423, OMIM 615966.

Submission:

Labcorp Genetics (formerly Invitae), Labcorp
Classification: Uncertain significance for Severe combined immunodeficiency due to DNA-PKcs deficiency. Last evaluated: 2022-02-10. Review status: criteria provided, single submitter. Criteria: Invitae Variant Classification Sherloc (09022015). Collection method: clinical testing. Allele origin: germline.
Comment: In summary, the available evidence is currently insufficient to determine the role of this variant in disease. Therefore, it has been classified as a Variant of Uncertain Significance. Experimental studies and prediction algorithms are not available or were not evaluated, and the functional significance of this variant is currently unknown. This variant has not been reported in the literature in individuals affected with PRKDC-related conditions. This variant is not present in population databases (gnomAD no frequency). This sequence change replaces serine, which is neutral and polar, with proline, which is neutral and non-polar, at codon 621 of the PRKDC protein (p.Ser621Pro).

NM_006904.7(PRKDC):c.1861T>C (p.Ser621Pro)

Gene: PRKDC (protein kinase, DNA-activated, catalytic subunit; minus strand). Cytogenetic location: 8q11.21.
Variant type: single nucleotide variant.
Coding change: c.1861T>C on transcript NM_006904.7 (MANE Select); coding-DNA position 1861, T replaced by C.
Protein change: p.Ser621Pro; replaces serine 621 with proline.
Molecular consequence: missense variant.
Genome position (GRCh38, 1-based): chr8:47,930,703, A>G on the plus strand (T>C on the coding strand, the complement: PRKDC is on the minus strand). VCF-style: chr8-47930703-A-G. GRCh37 (hg19) VCF-style: chr8-48843263-A-G.
Other names: c.1861T>C, p.Ser621Pro (NM_001081640.2); short protein forms S621P.
Identifiers: ClinVar variation 1512471 (VCV001512471.6), dbSNP rs1254994792, ClinGen allele CA371164685.
Genomic context (GRCh38, chr8:47,930,703, plus strand): 5'-TCTTAAATAATTAGAATTTTACCAAATACCTGCAAAATTCCACCAGGTTAATGAAAGCCG[A>G]AAAATCTTTAGGTTTAGCTGGATGCAAGTTAGCCGCTGGATCTGAAGTTGGGATCATCCA-3'
Protein context (NP_008835.5, residues 611-631): NLHPAKPKDF[Ser621Pro]AFINLVEFCR